The following is an entry in ClinVar:

ClinVar aggregate classification (germline): Conflicting classifications of pathogenicity. Review status: criteria provided, conflicting classifications (1 of 4 stars). 7 submissions from 7 submitters: Uncertain significance (4); Likely benign (3). Last evaluated 2026-08-05.

Conditions:
Cardiovascular phenotype. Identifiers: MedGen CN230736.
TTN-related disorder. Also called: TTN-related condition; TTN-related disease; TTN-related disorders.
Dilated cardiomyopathy 1G (CMD1G). Identifiers: Orphanet 154, MedGen C1858763, MONDO:0011400, OMIM 604145.
Autosomal recessive limb-girdle muscular dystrophy type 2J (LGMDR10). Also called: MUSCULAR DYSTROPHY, LIMB-GIRDLE, AUTOSOMAL RECESSIVE 10; Limb-girdle muscular dystrophy, type 2J. Identifiers: Orphanet 140922, MedGen C1837342, MONDO:0012127, OMIM 608807.
Cardiomyopathy (CMYO). Also called: Cardiomyopathies. Identifiers: Orphanet 167848, MedGen C0878544, MONDO:0004994, HP:0001638. Inheritance: Various modes of inheritance.

Allele frequency attached by ClinVar (database versions not stated): gnomAD exomes 0.00001 and 0.00002; ExAC 0.00002; TOPMed 0.00012; gnomAD 0.00013 and 0.00015; ESP Exome Variant Server 0.00026.

Submissions (7):

PreventionGenetics, part of Exact Sciences
Classification: Uncertain significance for TTN-related condition. Last evaluated: 2026-08-05. Review status: criteria provided, single submitter. Criteria: ACMG Guidelines, 2015. Collection method: clinical testing. Allele origin: germline.
Comment: The TTN c.88645_88647delGAG variant is predicted to result in an in-frame deletion (p.Glu29549del). To our knowledge, this variant has not been reported in the literature. This variant is reported in 0.037% of alleles in individuals of African descent in gnomAD. At this time, the clinical significance of this variant is uncertain due to the absence of conclusive functional and genetic evidence.

Women's Health and Genetics/Laboratory Corporation of America, LabCorp
Classification: Likely benign. Last evaluated: 2026-04-06. Review status: criteria provided, single submitter. Criteria: LabCorp Variant Classification Summary - May 2015. Collection method: clinical testing. Allele origin: germline.
Comment: Variant summary: TTN c.80941_80943delGAG (p.Glu26981del) results in an in-frame deletion that is predicted to remove 1 amino acid from the encoded protein. The variant allele was found at a frequency of 1.9e-05 in 1613938 control chromosomes, predominantly at a frequency of 0.00039 within the African or African-American subpopulation in the gnomAD database. This frequency is approximately equal to the maximum pathogenic allele frequency for disease-causing variants in TTN, providing evidence for benign. To our knowledge, no occurrence of c.80941_80943delGAG in individuals affected with TTN-related conditions and no experimental evidence demonstrating its impact on protein function have been reported. ClinVar contains an entry for this variant (Variation ID: 535542). Based on the evidence outlined above, the variant was classified as likely benign.

Revvity Omics, Revvity
Classification: Uncertain significance. Last evaluated: 2023-07-24. Review status: criteria provided, single submitter. Criteria: ACMG Guidelines, 2015. Collection method: clinical testing. Allele origin: germline.

Ambry Genetics
Classification: Likely benign for Cardiovascular phenotype. Last evaluated: 2020-09-04. Review status: criteria provided, single submitter. Criteria: Ambry Variant Classification Scheme 2023. Collection method: clinical testing. Allele origin: germline.

CHEO Genetics Diagnostic Laboratory, Children's Hospital of Eastern Ontario
Classification: Uncertain significance for Cardiomyopathy. Last evaluated: 2019-09-06. Review status: criteria provided, single submitter. Criteria: ACMG Guidelines, 2015. Collection method: clinical testing. Allele origin: germline.

GeneDx
Classification: Likely benign. Last evaluated: 2019-06-06. Review status: criteria provided, single submitter. Criteria: GeneDx Variant Classification Process June 2021. Collection method: clinical testing. Allele origin: germline. Affected: yes.

Labcorp Genetics (formerly Invitae), Labcorp
Classification: Uncertain significance for Dilated cardiomyopathy 1G; Autosomal recessive limb-girdle muscular dystrophy type 2J. Last evaluated: 2017-11-09. Review status: criteria provided, single submitter. Criteria: Invitae Variant Classification Sherloc (09022015). Collection method: clinical testing. Allele origin: germline.

NM_001267550.2(TTN):c.88645_88647del (p.Glu29549del)

Genes: TTN (titin; minus strand), TTN-AS1 (TTN antisense RNA 1; plus strand). Cytogenetic location: 2q31.2.
Variant type: Deletion.
Coding change: c.88645_88647del on transcript NM_001267550.2 (MANE Select); coding-DNA positions 88645 to 88647, 3 bases deleted (GAG; older notation c.88645_88647delGAG).
Protein change: p.Glu29549del; deletes glutamic acid 29549.
Molecular consequence: inframe deletion.
Genome position (GRCh38, 1-based): chr2:178,554,700-178,554,702, CTC deleted on the plus strand (GAG on the coding strand, the reverse complement: TTN is on the minus strand). VCF-style (leftmost placement, unchanged base first): chr2-178554699-TCTC-T. GRCh37 (hg19) VCF-style: chr2-179419426-TCTC-T.
Other names: c.61450_61452delGAG (NM_003319.4); c.83722_83724del, p.Glu27908del (NM_001256850.1); c.61450_61452del, p.Glu20484del (NM_003319.4); c.80941_80943del, p.Glu26981del (NM_133378.4); c.61825_61827del, p.Glu20609del (NM_133432.3); c.62026_62028del, p.Glu20676del (NM_133437.4); c.88645_88647delGAG (NM_001267550.2); c.80941_80943delGAG (NM_133378.4); short protein forms E29549del, E20484del, E26981del, E20609del, E20676del, E27908del.
Identifiers: ClinVar variation 535542 (VCV000535542.14), dbSNP rs778364983, ClinGen allele CA1988110.
Genomic context (GRCh38, chr2:178,554,699, plus strand): 5'-TGTAGTGAGTGATTTTTGCACCACCATCATCAGCTGGAGGCCGCCAGAGAAGGGTGATCT[TCTC>T]AGCAGTTACAGTCTTAAATTCAATTGGTCCACCAGGTGGGCCTGGTTTGTCTATCAGTGA-3'